The following is an entry in ClinVar:

ClinVar aggregate classification (germline): Conflicting classifications of pathogenicity. Review status: criteria provided, conflicting classifications (1 of 4 stars). 3 submissions from 3 submitters: Uncertain significance (2); Likely benign (1). Last evaluated 2023-01-10.

Conditions:
Cataract-growth hormone deficiency-sensory neuropathy-sensorineural hearing loss-skeletal dysplasia syndrome. Also called: Cataracts, growth hormone deficiency, sensory neuropathy, sensorineural hearing loss, and skeletal dysplasia. Identifiers: Orphanet 436174, MedGen C4014942, MONDO:0014455, OMIM 616007.
Inborn genetic diseases. Identifiers: MedGen C0950123, MeSH D030342.

Allele frequency attached by ClinVar (database versions not stated): 1000 Genomes Project 30x 0.00016.
gnomAD v4.1: 34 of 1,613,188 alleles (0.0021%); highest among the groups gnomAD compares: South Asian, 0.025%; no homozygotes.

Submissions (3):

Ambry Genetics
Classification: Likely benign for Inborn genetic diseases. Last evaluated: 2023-01-10. Review status: criteria provided, single submitter. Criteria: Ambry Variant Classification Scheme 2023. Collection method: clinical testing. Allele origin: germline.

Revvity Omics, Revvity
Classification: Uncertain significance for Cataract-growth hormone deficiency-sensory neuropathy-sensorineural hearing loss-skeletal dysplasia syndrome. Last evaluated: 2022-07-22. Review status: criteria provided, single submitter. Criteria: ACMG Guidelines, 2015. Collection method: clinical testing. Allele origin: germline.

Labcorp Genetics (formerly Invitae), Labcorp
Classification: Uncertain significance. Last evaluated: 2022-06-13. Review status: criteria provided, single submitter. Criteria: Invitae Variant Classification Sherloc (09022015). Collection method: clinical testing. Allele origin: germline.
Comment: This sequence change replaces valine, which is neutral and non-polar, with isoleucine, which is neutral and non-polar, at codon 331 of the IARS2 protein (p.Val331Ile). This variant is present in population databases (rs201619737, gnomAD 0.03%). This variant has not been reported in the literature in individuals affected with IARS2-related conditions. Algorithms developed to predict the effect of missense changes on protein structure and function output the following: SIFT: "Tolerated"; PolyPhen-2: "Benign"; Align-GVGD: "Class C0". The isoleucine amino acid residue is found in multiple mammalian species, which suggests that this missense change does not adversely affect protein function. In summary, the available evidence is currently insufficient to determine the role of this variant in disease. Therefore, it has been classified as a Variant of Uncertain Significance.

NM_018060.4(IARS2):c.991G>A (p.Val331Ile)

Gene: IARS2 (isoleucyl-tRNA synthetase 2, mitochondrial; plus strand). Cytogenetic location: 1q41.
Variant type: single nucleotide variant.
Coding change: c.991G>A on transcript NM_018060.4 (MANE Select); coding-DNA position 991, G replaced by A.
Protein change: p.Val331Ile; replaces valine 331 with isoleucine.
Molecular consequence: missense variant.
Genome position (GRCh38, 1-based): chr1:220,103,487, G>A. VCF-style: chr1-220103487-G-A. GRCh37 (hg19) VCF-style: chr1-220276829-G-A.
Other names: c.991G>A (NM_018060.3); short protein forms V331I.
Identifiers: ClinVar variation 1987468 (VCV001987468.6), dbSNP rs201619737, ClinGen allele CA1401275.